The following is an entry in ClinVar:

NM_015425.6(POLR1A):c.3850C>G (p.Gln1284Glu)

Genes: POLR1A (RNA polymerase I subunit A; minus strand), LOC106783498 (conserved acetylation island sequence 34 enhancer; plus strand). Cytogenetic location: 2p11.2.
Variant type: single nucleotide variant.
Coding change: c.3850C>G on transcript NM_015425.6 (MANE Select); coding-DNA position 3850, C replaced by G.
Protein change: p.Gln1284Glu; replaces glutamine 1284 with glutamic acid.
Molecular consequence: missense variant.
Genome position (GRCh38, 1-based): chr2:86,039,353, G>C on the plus strand (C>G on the coding strand, the complement: POLR1A is on the minus strand). VCF-style: chr2-86039353-G-C. GRCh37 (hg19) VCF-style: chr2-86266476-G-C.
Other names: short protein forms Q1284E.
Identifiers: ClinVar variation 2871800 (VCV002871800.3), dbSNP rs2466332403, ClinGen allele CA347550582.
Genomic context (GRCh38, chr2:86,039,353, plus strand): 5'-ACCCCGTCTGCAACCTGGGAAGGAGAGACGTTACCTCCCCCAAGCACACCCTGGTGAGTT[G>C]CTTCTTCAGGCTTTTCACTCTCTTCAGGGCTTTCTTGGTGTTGAGCACGGGCACGCTCAT-3'
Protein context (NP_056240.2, residues 1274-1294): ALKRVKSLKK[Gln1284Glu]LTRVCLGEVL

ClinVar aggregate classification (germline): Uncertain significance (1 of 4 stars; one submission).

Submission:

Labcorp Genetics (formerly Invitae), Labcorp
Classification: Uncertain significance. Last evaluated: 2024-04-15. Review status: criteria provided, single submitter. Criteria: Invitae Variant Classification Sherloc (09022015). Collection method: clinical testing. Allele origin: germline.
Comment: This sequence change replaces glutamine, which is neutral and polar, with glutamic acid, which is acidic and polar, at codon 1284 of the POLR1A protein (p.Gln1284Glu). This variant is not present in population databases (gnomAD no frequency). This variant has not been reported in the literature in individuals affected with POLR1A-related conditions. Advanced modeling of protein sequence and biophysical properties (such as structural, functional, and spatial information, amino acid conservation, physicochemical variation, residue mobility, and thermodynamic stability) performed at Invitae indicates that this missense variant is not expected to disrupt POLR1A protein function with a negative predictive value of 80%. In summary, the available evidence is currently insufficient to determine the role of this variant in disease. Therefore, it has been classified as a Variant of Uncertain Significance.